The following is an entry in ClinVar:

NM_177438.3(DICER1):c.3074A>G (p.Glu1025Gly)

Gene: DICER1 (dicer 1, ribonuclease III; minus strand). Cytogenetic location: 14q32.13.
Variant type: single nucleotide variant.
Coding change: c.3074A>G on transcript NM_177438.3 (MANE Select); coding-DNA position 3074, A replaced by G.
Protein change: p.Glu1025Gly; replaces glutamic acid 1025 with glycine.
Molecular consequence: missense variant.
Genome position (GRCh38, 1-based): chr14:95,105,697, T>C on the plus strand (A>G on the coding strand, the complement: DICER1 is on the minus strand). VCF-style: chr14-95105697-T-C. GRCh37 (hg19) VCF-style: chr14-95572034-T-C.
Other names: c.3074A>G, p.Glu1025Gly (NM_001195573.1, NM_001271282.3, NM_001291628.2 and 1 more transcripts); short protein forms E1025G.
Identifiers: ClinVar variation 477124 (VCV000477124.19), dbSNP rs1191384264, ClinGen allele CA390878013.
Genomic context (GRCh38, chr14:95,105,697, plus strand): 5'-CAAACAAATACTAAGTTATGCTAGTACAATTAACTCATTACCTGTTTATTCTGCAGACTT[T>C]CCCATTTGGCTTTCCTCTTCTCAGCACTGCTTAAAGGAAGCGCTTTCCCCTTCTGATTCA-3'
Protein context (NP_803187.1, residues 1015-1035): SSAEKRKAKW[Glu1025Gly]SLQNKQILVP

ClinVar aggregate classification (germline): Uncertain significance. Review status: criteria provided, multiple submitters, no conflicts (2 of 4 stars). 4 submissions from 4 submitters: Uncertain significance (4). Last evaluated 2025-12-14.

Conditions:
Global developmental delay - lung cysts - overgrowth - Wilms tumor syndrome. Also called: GLOW Syndrome; GLOBAL DEVELOPMENTAL DELAY, LUNG CYSTS, OVERGROWTH, AND WILMS TUMOR. Identifiers: Orphanet 404476, MedGen C4748924, MONDO:0018445, OMIM 618272.
DICER1-related tumor predisposition. Also called: DICER1-related pleuropulmonary blastoma cancer predisposition syndrome; DICER1 syndrome. Identifiers: Orphanet 284343, MedGen C3839822, MONDO:0100216.
Hereditary cancer-predisposing syndrome. Also called: Tumor predisposition; Neoplastic Syndromes, Hereditary; Hereditary Cancer Syndrome; Hereditary neoplastic syndrome. Identifiers: Orphanet 140162, MedGen C0027672, MeSH D009386, MONDO:0015356.

Allele frequency attached by ClinVar (database versions not stated): gnomAD exomes below 0.00001 and 0.00001; gnomAD 0.00001.
gnomAD v4.1: 12 of 1,613,048 alleles (0.00074%); highest among the groups gnomAD compares: African/African-American, 0.0013%; no homozygotes.

Submissions (4):

Labcorp Genetics (formerly Invitae), Labcorp
Classification: Uncertain significance for DICER1-related tumor predisposition. Last evaluated: 2025-12-14. Review status: criteria provided, single submitter. Criteria: Invitae Variant Classification Sherloc (09022015). Collection method: clinical testing. Allele origin: germline.
Comment: This sequence change replaces glutamic acid, which is acidic and polar, with glycine, which is neutral and non-polar, at codon 1025 of the DICER1 protein (p.Glu1025Gly). This variant is present in population databases (no rsID available, gnomAD 0.004%). This variant has not been reported in the literature in individuals affected with DICER1-related conditions. ClinVar contains an entry for this variant (Variation ID: 477124). Invitae Evidence Modeling of protein sequence and biophysical properties (such as structural, functional, and spatial information, amino acid conservation, physicochemical variation, residue mobility, and thermodynamic stability) indicates that this missense variant is not expected to disrupt DICER1 protein function with a negative predictive value of 95%. In summary, the available evidence is currently insufficient to determine the role of this variant in disease. Therefore, it has been classified as a Variant of Uncertain Significance.

Ambry Genetics
Classification: Uncertain significance for Hereditary cancer-predisposing syndrome. Last evaluated: 2025-10-27. Review status: criteria provided, single submitter. Criteria: Ambry Variant Classification Scheme 2023. Collection method: clinical testing. Allele origin: germline.
Comment: The p.E1025G variant (also known as c.3074A>G), located in coding exon 18 of the DICER1 gene, results from an A to G substitution at nucleotide position 3074. The glutamic acid at codon 1025 is replaced by glycine, an amino acid with similar properties. This amino acid position is highly conserved in available vertebrate species. In addition, the in silico prediction for this alteration is inconclusive. Since supporting evidence is limited at this time, the clinical significance of this alteration remains unclear.

GeneDx
Classification: Uncertain significance. Last evaluated: 2024-06-27. Review status: criteria provided, single submitter. Criteria: GeneDx Variant Classification Process June 2021. Collection method: clinical testing. Allele origin: germline. Affected: yes.
Comment: Not observed at significant frequency in large population cohorts (gnomAD); In silico analysis supports that this missense variant has a deleterious effect on protein structure/function; Has not been previously published as pathogenic or benign to our knowledge

Baylor Genetics
Classification: Uncertain significance for Global developmental delay - lung cysts - overgrowth - Wilms tumor syndrome. Last evaluated: 2023-07-07. Review status: criteria provided, single submitter. Criteria: ACMG Guidelines, 2015. Collection method: clinical testing. Allele origin: unknown.